The following is an entry in ClinVar:

46,XY,der(21)t(9;21)(p11;p12)

Variant type: Complex.
Identifiers: ClinVar variation 929260 (VCV000929260.2).

ClinVar aggregate classification (germline): Pathogenic (0 of 4 stars; one submission).

Conditions:
9p partial trisomy syndrome. Also called: Trisomy 9p; Partial trisomy of the short arm of chromosome 9. Identifiers: Orphanet 236, Orphanet 262767, MedGen C0265428, MONDO:0016526.

Submission:

Obstetrics and Gynecology, Juntendo university
Classification: Pathogenic for 9p partial trisomy syndrome. Review status: no assertion criteria provided. Collection method: clinical testing. Allele origin: maternal. Affected: yes. Observed: 2 variant alleles.

Literature cited by the submitters: DOI 10.1016/j.ejmg.2020.104005.